The following is an entry in ClinVar:

ClinVar aggregate classification (germline): Benign/Likely benign. Review status: criteria provided, multiple submitters, no conflicts (2 of 4 stars). 8 submissions from 8 submitters: Benign (3); Likely benign (5). Last evaluated 2026-01-16.

Conditions:
Connective tissue disorder. Also called: Connective tissue disease. Identifiers: MedGen C0009782, MONDO:0003900.

Allele frequency attached by ClinVar (database versions not stated): gnomAD 0.00291 and 0.00267; TOPMed 0.00312; ESP Exome Variant Server 0.00361; 1000 Genomes Project 30x 0.00234; 1000 Genomes Project 0.00280.
gnomAD v4.1: 806 of 1,614,092 alleles (0.05%); highest among the groups gnomAD compares: African/African-American, 0.91%; 4 homozygotes.

Submissions (8):

Labcorp Genetics (formerly Invitae), Labcorp
Classification: Benign. Last evaluated: 2026-01-16. Review status: criteria provided, single submitter. Criteria: Invitae Variant Classification Sherloc (09022015). Collection method: clinical testing. Allele origin: germline.

CeGaT Center for Human Genetics Tuebingen
Classification: Likely benign. Last evaluated: 2024-12-01. Review status: criteria provided, single submitter. Criteria: CeGaT Center For Human Genetics Tuebingen Variant Classification Criteria Version 2. Collection method: clinical testing. Allele origin: germline. Affected: yes. Observed: 1 variant allele.
Comment: HSPG2: BP4, BS2

Blueprint Genetics
Classification: Likely benign. Last evaluated: 2024-08-28. Review status: criteria provided, single submitter. Criteria: ACMG Guidelines, 2015. Collection method: clinical testing. Allele origin: germline.

Athena Diagnostics
Classification: Benign. Last evaluated: 2023-11-07. Review status: criteria provided, single submitter. Criteria: Athena Diagnostics Criteria. Collection method: clinical testing. Allele origin: unknown.

GeneDx
Classification: Likely benign. Last evaluated: 2021-07-22. Review status: criteria provided, single submitter. Criteria: GeneDx Variant Classification Process June 2021. Collection method: clinical testing. Allele origin: germline. Affected: yes.

ARUP Laboratories, Molecular Genetics and Genomics, ARUP Laboratories
Classification: Likely benign. Last evaluated: 2021-01-29. Review status: criteria provided, single submitter. Criteria: ARUP Molecular Germline Variant Investigation Process 2021. Collection method: clinical testing. Allele origin: germline.

Genome Diagnostics Laboratory, The Hospital for Sick Children
Classification: Likely benign for Connective tissue disorder. Last evaluated: 2020-09-30. Review status: criteria provided, single submitter. Criteria: ACMG Guidelines, 2015. Collection method: clinical testing. Allele origin: germline.

Eurofins Ntd Llc (ga)
Classification: Benign. Last evaluated: 2016-11-22. Review status: criteria provided, single submitter. Criteria: EGL Classification Definitions 2015. Collection method: clinical testing. Allele origin: germline. Observed: 1 variant allele, 1 heterozygote.

NM_005529.7(HSPG2):c.9514-3C>T

Gene: HSPG2 (heparan sulfate proteoglycan 2; minus strand). Cytogenetic location: 1p36.12.
Variant type: single nucleotide variant.
Coding change: c.9514-3C>T on transcript NM_005529.7 (MANE Select); 3 bases into the intron before coding-DNA position 9514, C replaced by T.
Molecular consequence: intron variant.
Genome position (GRCh38, 1-based): chr1:21,840,020, G>A on the plus strand (C>T on the coding strand, the complement: HSPG2 is on the minus strand). VCF-style: chr1-21840020-G-A. GRCh37 (hg19) VCF-style: chr1-22166513-G-A.
Other names: c.9517-3C>T (NM_001291860.2).
Identifiers: ClinVar variation 447568 (VCV000447568.43), dbSNP rs114851424, ClinGen allele CA670407.